The following is an entry in ClinVar:

ClinVar aggregate classification (germline): Uncertain significance (1 of 4 stars; one submission).

Allele frequency attached by ClinVar (database versions not stated): TOPMed below 0.00001; ExAC 0.00001; gnomAD 0.00001; gnomAD exomes 0.00001.
gnomAD v4.1: 11 of 1,613,972 alleles (0.00068%); highest among the groups gnomAD compares: Admixed American, 0.0017%; no homozygotes.

Submission:

Labcorp Genetics (formerly Invitae), Labcorp
Classification: Uncertain significance. Last evaluated: 2026-01-21. Review status: criteria provided, single submitter. Criteria: Invitae Variant Classification Sherloc (09022015). Collection method: clinical testing. Allele origin: germline.
Comment: This sequence change replaces asparagine, which is neutral and polar, with serine, which is neutral and polar, at codon 1860 of the FN1 protein (p.Asn1860Ser). This variant is present in population databases (rs755581474, gnomAD 0.002%). This variant has not been reported in the literature in individuals affected with FN1-related conditions. ClinVar contains an entry for this variant (Variation ID: 1935826). An algorithm developed to predict the effect of missense changes on protein structure and function (PolyPhen-2) suggests that this variant is likely to be disruptive. In summary, the available evidence is currently insufficient to determine the role of this variant in disease. Therefore, it has been classified as a Variant of Uncertain Significance.

NM_212482.4(FN1):c.5579A>G (p.Asn1860Ser)

Gene: FN1 (fibronectin 1; minus strand). Cytogenetic location: 2q35.
Variant type: single nucleotide variant.
Coding change: c.5579A>G on transcript NM_212482.4 (MANE Select); coding-DNA position 5579, A replaced by G.
Protein change: p.Asn1860Ser; replaces asparagine 1860 with serine.
Molecular consequence: missense variant.
Genome position (GRCh38, 1-based): chr2:215,379,173, T>C on the plus strand (A>G on the coding strand, the complement: FN1 is on the minus strand). VCF-style: chr2-215379173-T-C. GRCh37 (hg19) VCF-style: chr2-216243896-T-C.
Other names: c.5579A>G, p.Asn1860Ser (NM_001306129.2); c.5309A>G, p.Asn1770Ser (NM_001306130.2, NM_001365517.2, NM_001365519.2 and 2 more transcripts); c.5036A>G, p.Asn1679Ser (NM_001306131.2, NM_001306132.2, NM_001365523.2 and 2 more transcripts); c.5306A>G, p.Asn1769Ser (NM_001365518.2, NM_001365520.2, NM_001365524.2 and 2 more transcripts); short protein forms N1679S, N1770S, N1769S, N1860S.
Identifiers: ClinVar variation 1935826 (VCV001935826.5), dbSNP rs755581474, ClinGen allele CA2094113.